The following is an entry in ClinVar:

NM_001082.5(CYP4F2):c.343+6A>G

Gene: CYP4F2 (cytochrome P450 family 4 subfamily F member 2; minus strand). Cytogenetic location: 19p13.12.
Variant type: single nucleotide variant.
Coding change: c.343+6A>G on transcript NM_001082.5 (MANE Select); 6 bases into the intron after coding-DNA position 343, A replaced by G.
Molecular consequence: intron variant.
Genome position (GRCh38, 1-based): chr19:15,895,500, T>C on the plus strand (A>G on the coding strand, the complement: CYP4F2 is on the minus strand). VCF-style: chr19-15895500-T-C. GRCh37 (hg19) VCF-style: chr19-16006310-T-C.
Identifiers: ClinVar variation 3040636 (VCV003040636.2), dbSNP rs769154455, ClinGen allele CA9274081.
Genomic context (GRCh38, chr19:15,895,500, plus strand): 5'-GGAGCTTGGGGATAGCGGAAGTGCAGGCCTCAAATGCACTGCCCCACCAGCTGTTCCAGA[T>C]GGTACCTGAGGCGTTGATGACAGACCGGATGATGTCGGGGTGGCACAAACTGAGGAGGGG-3'

ClinVar aggregate classification (germline): Likely benign (0 of 4 stars; one submission).

Conditions:
CYP4F2-related disorder. Also called: CYP4F2-related condition.

Allele frequency attached by ClinVar (database versions not stated): gnomAD exomes below 0.00001; TOPMed below 0.00001; gnomAD 0.00001; ExAC 0.00002.
gnomAD v4.1: 5 of 1,502,056 alleles (0.00033%); highest among the groups gnomAD compares: East Asian, 0.0079%; no homozygotes.

Submission:

PreventionGenetics, part of Exact Sciences
Classification: Likely benign for CYP4F2-related condition. Last evaluated: 2019-09-17. Review status: no assertion criteria provided. Collection method: clinical testing. Allele origin: germline.
Comment: This variant is classified as likely benign based on ACMG/AMP sequence variant interpretation guidelines (Richards et al. 2015 PMID: 25741868, with internal and published modifications).